The following is an entry in ClinVar:

ClinVar aggregate classification (germline): Uncertain significance (1 of 4 stars; one submission).

Conditions:
Neurofibromatosis, type 1 (NF1). Also called: Peripheral type neurofibromatosis; NEUROFIBROMATOSIS, TYPE I, SOMATIC; VON RECKLINGHAUSEN DISEASE; Neurofibromatosis, type I. Identifiers: Orphanet 636, MedGen C0027831, MONDO:0018975, OMIM 162200. Disease mechanism: loss of function.

Submission:

Labcorp Genetics (formerly Invitae), Labcorp
Classification: Uncertain significance for Neurofibromatosis, type 1. Last evaluated: 2022-03-12. Review status: criteria provided, single submitter. Criteria: Invitae Variant Classification Sherloc (09022015). Collection method: clinical testing. Allele origin: germline.
Comment: This sequence change replaces asparagine, which is neutral and polar, with isoleucine, which is neutral and non-polar, at codon 1582 of the NF1 protein (p.Asn1582Ile). This variant is not present in population databases (gnomAD no frequency). This variant has not been reported in the literature in individuals affected with NF1-related conditions. Algorithms developed to predict the effect of missense changes on protein structure and function are either unavailable or do not agree on the potential impact of this missense change (SIFT: "Tolerated"; PolyPhen-2: "Probably Damaging"; Align-GVGD: "Class C0"). In summary, the available evidence is currently insufficient to determine the role of this variant in disease. Therefore, it has been classified as a Variant of Uncertain Significance.

NM_001042492.3(NF1):c.4808A>T (p.Asn1603Ile)

Gene: NF1 (neurofibromin 1; plus strand). Cytogenetic location: 17q11.2.
Variant type: single nucleotide variant.
Coding change: c.4808A>T on transcript NM_001042492.3 (MANE Select); coding-DNA position 4808, A replaced by T.
Protein change: p.Asn1603Ile; replaces asparagine 1603 with isoleucine.
Molecular consequence: missense variant.
Genome position (GRCh38, 1-based): chr17:31,265,312, A>T. VCF-style: chr17-31265312-A-T. GRCh37 (hg19) VCF-style: chr17-29592330-A-T.
Other names: c.4745A>T, p.Asn1582Ile (NM_000267.4); short protein forms N1603I, N1582I.
Identifiers: ClinVar variation 2109904 (VCV002109904.4), dbSNP rs2067766672, ClinGen allele CA399001335.
Genomic context (GRCh38, chr17:31,265,312, plus strand): 5'-AATTCAAGGCTTTGAAAACGTTAAGTATTTTCTACCAAGCTGGGACTTCCAAAGCTGGGA[A>T]TCCTATTTTTTATTATGTTGCACGGAGGTAAGAAATACTATGTTTTGGGTCTCTTAACAG-3'
Protein context (NP_001035957.1, residues 1593-1613): FYQAGTSKAG[Asn1603Ile]PIFYYVARRF